The following is an entry in ClinVar:

ClinVar aggregate classification (germline): Uncertain significance (1 of 4 stars; one submission).

Conditions:
Dyskeratosis congenita. Identifiers: Orphanet 1775, MedGen C0265965, MONDO:0015780.

Submission:

Ambry Genetics
Classification: Uncertain significance for Dyskeratosis congenita. Last evaluated: 2024-03-02. Review status: criteria provided, single submitter. Criteria: Ambry Variant Classification Scheme 2023. Collection method: clinical testing. Allele origin: germline.
Comment: The p.G254V variant (also known as c.761G>T), located in coding exon 2 of the TERT gene, results from a G to T substitution at nucleotide position 761. The glycine at codon 254 is replaced by valine, an amino acid with dissimilar properties. This amino acid position is conserved. In addition, this alteration is predicted to be tolerated by in silico analysis. Based on the available evidence, the clinical significance of this alteration remains unclear.

NM_198253.3(TERT):c.761G>T (p.Gly254Val)

Gene: TERT (telomerase reverse transcriptase; minus strand). Cytogenetic location: 5p15.33.
Variant type: single nucleotide variant.
Coding change: c.761G>T on transcript NM_198253.3 (MANE Select); coding-DNA position 761, G replaced by T.
Protein change: p.Gly254Val; replaces glycine 254 with valine.
Molecular consequence: missense variant. On other transcripts: non-coding transcript variant (2).
Genome position (GRCh38, 1-based): chr5:1,294,125, C>A on the plus strand (G>T on the coding strand, the complement: TERT is on the minus strand). VCF-style: chr5-1294125-C-A. GRCh37 (hg19) VCF-style: chr5-1294240-C-A.
Other names: c.761G>T, p.Gly254Val (NM_001193376.3, NM_003219.1); short protein forms G254V.
Identifiers: ClinVar variation 3238484 (VCV003238484.1), dbSNP rs1364961973.